The following is an entry in ClinVar:

NM_023067.4(FOXL2):c.652T>G (p.Cys218Gly)

Gene: FOXL2 (forkhead box L2; minus strand). Cytogenetic location: 3q22.3.
Variant type: single nucleotide variant.
Coding change: c.652T>G on transcript NM_023067.4 (MANE Select); coding-DNA position 652, T replaced by G.
Protein change: p.Cys218Gly; replaces cysteine 218 with glycine.
Molecular consequence: missense variant.
Genome position (GRCh38, 1-based): chr3:138,946,071, A>C on the plus strand (T>G on the coding strand, the complement: FOXL2 is on the minus strand). VCF-style: chr3-138946071-A-C. GRCh37 (hg19) VCF-style: chr3-138664913-A-C.
Other names: c.652T>G (NM_023067.3); short protein forms C218G.
Identifiers: ClinVar variation 2856262 (VCV002856262.4), dbSNP rs1935960253, ClinGen allele CA354704534.

ClinVar aggregate classification (germline): Uncertain significance. Review status: criteria provided, multiple submitters, no conflicts (2 of 4 stars). 2 submissions from 2 submitters: Uncertain significance (2). Last evaluated 2026-06-23.

Conditions:
Inborn genetic diseases. Identifiers: MedGen C0950123, MeSH D030342.

Allele frequency attached by ClinVar (database versions not stated): TOPMed below 0.00001; gnomAD 0.00001.

Submissions (2):

Ambry Genetics
Classification: Uncertain significance for Inborn genetic diseases. Last evaluated: 2026-06-23. Review status: criteria provided, single submitter. Criteria: Ambry Variant Classification Scheme 2023. Collection method: clinical testing. Allele origin: germline.

Labcorp Genetics (formerly Invitae), Labcorp
Classification: Uncertain significance. Last evaluated: 2022-11-09. Review status: criteria provided, single submitter. Criteria: Invitae Variant Classification Sherloc (09022015). Collection method: clinical testing. Allele origin: germline.
Comment: In summary, the available evidence is currently insufficient to determine the role of this variant in disease. Therefore, it has been classified as a Variant of Uncertain Significance. Algorithms developed to predict the effect of missense changes on protein structure and function (SIFT, PolyPhen-2, Align-GVGD) all suggest that this variant is likely to be tolerated. This variant has not been reported in the literature in individuals affected with FOXL2-related conditions. This variant is not present in population databases (gnomAD no frequency). This sequence change replaces cysteine, which is neutral and slightly polar, with glycine, which is neutral and non-polar, at codon 218 of the FOXL2 protein (p.Cys218Gly).